The following is an entry in ClinVar:

NM_000038.6(APC):c.1619T>C (p.Leu540Ser)

Gene: APC (APC regulator of Wnt signaling pathway; plus strand). Cytogenetic location: 5q22.2.
Variant type: single nucleotide variant.
Coding change: c.1619T>C on transcript NM_000038.6 (MANE Select); coding-DNA position 1619, T replaced by C.
Protein change: p.Leu540Ser; replaces leucine 540 with serine.
Molecular consequence: missense variant.
Genome position (GRCh38, 1-based): chr5:112,827,999, T>C. VCF-style: chr5-112827999-T-C. GRCh37 (hg19) VCF-style: chr5-112163696-T-C.
Other names: c.1619T>C, p.Leu540Ser (NM_001127510.3, NM_001354895.2); c.1565T>C, p.Leu522Ser (NM_001127511.3); c.1673T>C, p.Leu558Ser (NM_001354896.2); c.1649T>C, p.Leu550Ser (NM_001354897.2); c.1544T>C, p.Leu515Ser (NM_001354898.2); c.1535T>C, p.Leu512Ser (NM_001354899.2); c.1496T>C, p.Leu499Ser (NM_001354900.2); c.1442T>C, p.Leu481Ser (NM_001354901.2); and 5 more; short protein forms L257S, L380S, L414S, L439S, L449S, L481S, L499S, L512S.
Identifiers: ClinVar variation 1021695 (VCV001021695.10), dbSNP rs1763886479, ClinGen allele CA16024843.

ClinVar aggregate classification (germline): Uncertain significance (1 of 4 stars; one submission).

Conditions:
Familial adenomatous polyposis 1 (FAP1). Also called: POLYPOSIS, ADENOMATOUS INTESTINAL; FAMILIAL ADENOMATOUS POLYPOSIS 1, ATTENUATED. Identifiers: MedGen C2713442, MONDO:0021056, OMIM 175100. Disease mechanism: loss of function.

Submission:

Labcorp Genetics (formerly Invitae), Labcorp
Classification: Uncertain significance for Familial adenomatous polyposis 1. Last evaluated: 2020-06-21. Review status: criteria provided, single submitter. Criteria: Invitae Variant Classification Sherloc (09022015). Collection method: clinical testing. Allele origin: germline.
Comment: In summary, the available evidence is currently insufficient to determine the role of this variant in disease. Therefore, it has been classified as a Variant of Uncertain Significance. Algorithms developed to predict the effect of missense changes on protein structure and function (SIFT, PolyPhen-2, Align-GVGD) all suggest that this variant is likely to be disruptive, but these predictions have not been confirmed by published functional studies and their clinical significance is uncertain. This variant has not been reported in the literature in individuals with APC-related conditions. This variant is not present in population databases (ExAC no frequency). This sequence change replaces leucine with serine at codon 540 of the APC protein (p.Leu540Ser). The leucine residue is highly conserved and there is a large physicochemical difference between leucine and serine.